The following is an entry in ClinVar:

NM_000493.4(COL10A1):c.346_354del (p.Lys116_Gly118del)

Genes: COL10A1 (collagen type X alpha 1 chain; minus strand), NT5DC1 (5'-nucleotidase domain containing 1; plus strand). Cytogenetic location: 6q22.1.
Variant type: Deletion.
Coding change: c.346_354del on transcript NM_000493.4 (MANE Select); coding-DNA positions 346 to 354, 9 bases deleted (AAACCAGGA; older notation c.346_354delAAACCAGGA).
Protein change: p.Lys116_Gly118del.
Molecular consequence: inframe deletion. On other transcripts: intron variant (1).
Genome position (GRCh38, 1-based): chr6:116,121,762-116,121,770, TCCTGGTTT deleted on the plus strand (AAACCAGGA on the coding strand, the reverse complement: COL10A1 is on the minus strand); deleting any 9 consecutive bases within chr6:116,121,762-116,121,776 gives the same sequence; the c. name uses the placement nearest the transcript's 3' end. VCF-style (leftmost placement, unchanged base first): chr6-116121761-CTCCTGGTTT-C. GRCh37 (hg19) VCF-style: chr6-116442924-CTCCTGGTTT-C.
Other names: c.346_354del, p.Lys116_Gly118del (NM_001424106.1, NM_001424107.1); c.529+3823_529+3831del (NM_152729.3); c.346_354delAAACCAGGA (NM_000493.4).
Identifiers: ClinVar variation 4689289 (VCV004689289.1).

ClinVar aggregate classification (germline): Uncertain significance (1 of 4 stars; one submission).

Submission:

Women's Health and Genetics/Laboratory Corporation of America, LabCorp
Classification: Uncertain significance. Last evaluated: 2026-01-19. Review status: criteria provided, single submitter. Criteria: LabCorp Variant Classification Summary - May 2015. Collection method: clinical testing. Allele origin: germline.
Comment: Variant summary: COL10A1 c.346_354delAAACCAGGA (p.Lys116_Gly118del) results in an in-frame deletion that is predicted to remove three amino acids from the encoded protein. The variant was absent in 251410 control chromosomes. The available data on variant occurrences in the general population are insufficient to allow any conclusion about variant significance. To our knowledge, no occurrence of c.346_354delAAACCAGGA in individuals affected with COL10A1-related conditions and no experimental evidence demonstrating its impact on protein function have been reported. No submitters have cited clinical-significance assessments for this variant to ClinVar. Based on the evidence outlined above, the variant was classified as uncertain significance.